The following is an entry in ClinVar:

ClinVar aggregate classification (germline): Likely benign. Review status: criteria provided, multiple submitters, no conflicts (2 of 4 stars). 5 submissions from 5 submitters: Likely benign (5). Last evaluated 2026-05-11.

Conditions:
Neurofibromatosis, type 1 (NF1). Also called: Neurofibromatosis, type I; VON RECKLINGHAUSEN DISEASE; Peripheral type neurofibromatosis; NEUROFIBROMATOSIS, TYPE I, SOMATIC. Identifiers: Orphanet 636, MedGen C0027831, MONDO:0018975, OMIM 162200. Disease mechanism: loss of function.

gnomAD v4.1: 9 of 1,611,640 alleles (0.00056%); highest among the groups gnomAD compares: Non-Finnish European, 0.00076%; no homozygotes.

Submissions (5):

Myriad Genetics, Inc.
Classification: Likely benign for Neurofibromatosis, type 1. Last evaluated: 2026-05-11. Review status: criteria provided, single submitter. Criteria: Myriad Autosomal Dominant, Autosomal Recessive and X-Linked Classification Criteria (2023). Collection method: clinical testing. Allele origin: unknown.
Comment: This variant is considered likely benign. This variant is intronic and is not expected to impact mRNA splicing.

Labcorp Genetics (formerly Invitae), Labcorp
Classification: Likely benign for Neurofibromatosis, type 1. Last evaluated: 2026-02-03. Review status: criteria provided, single submitter. Criteria: Invitae Variant Classification Sherloc (09022015). Collection method: clinical testing. Allele origin: germline.

Genome-Nilou Lab
Classification: Likely benign for Neurofibromatosis, type 1. Last evaluated: 2022-03-15. Review status: criteria provided, single submitter. Criteria: ACMG Guidelines, 2015. Collection method: clinical testing. Allele origin: germline. Affected: no.

Blueprint Genetics
Classification: Likely benign. Last evaluated: 2021-12-31. Review status: criteria provided, single submitter. Criteria: ACMG Guidelines, 2015. Collection method: clinical testing. Allele origin: germline.

CeGaT Center for Human Genetics Tuebingen
Classification: Likely benign. Last evaluated: 2021-08-01. Review status: criteria provided, single submitter. Criteria: CeGaT Center For Human Genetics Tuebingen Variant Classification Criteria Version 2. Collection method: clinical testing. Allele origin: germline. Affected: yes. Observed: 1 variant allele.

NM_001042492.3(NF1):c.1641+7G>C

Gene: NF1 (neurofibromin 1; plus strand). Cytogenetic location: 17q11.2.
Variant type: single nucleotide variant.
Coding change: c.1641+7G>C on transcript NM_001042492.3 (MANE Select); 7 bases into the intron after coding-DNA position 1641, G replaced by C.
Molecular consequence: intron variant.
Genome position (GRCh38, 1-based): chr17:31,219,125, G>C. VCF-style: chr17-31219125-G-C. GRCh37 (hg19) VCF-style: chr17-29546143-G-C.
Other names: c.1641+7G>C (NM_000267.4, NM_001128147.3).
Identifiers: ClinVar variation 412961 (VCV000412961.42), dbSNP rs1060503887, ClinGen allele CA16615574.